The following is an entry in ClinVar:

NM_002291.3(LAMB1):c.1407G>C (p.Gly469=)

Gene: LAMB1 (laminin subunit beta 1; minus strand). Cytogenetic location: 7q31.1.
Variant type: single nucleotide variant.
Coding change: c.1407G>C on transcript NM_002291.3 (MANE Select); coding-DNA position 1407, G replaced by C.
Protein change: p.Gly469=; no amino-acid change (glycine 469 retained).
Molecular consequence: synonymous variant.
Genome position (GRCh38, 1-based): chr7:107,975,061, C>G on the plus strand (G>C on the coding strand, the complement: LAMB1 is on the minus strand). VCF-style: chr7-107975061-C-G. GRCh37 (hg19) VCF-style: chr7-107615506-C-G.
Identifiers: ClinVar variation 4989490 (VCV004989490.1).

ClinVar aggregate classification (germline): Likely benign (1 of 4 stars; one submission).

Conditions:
LAMB1-related disorder. Also called: LAMB1-related condition.

gnomAD v4.1: 4 of 1,612,804 alleles (0.00025%); highest among the groups gnomAD compares: African/African-American, 0.0053%; no homozygotes.

Submission:

PreventionGenetics, part of Exact Sciences
Classification: Likely benign for LAMB1-related condition. Last evaluated: 2025-12-09. Review status: criteria provided, single submitter. Criteria: ACMG Guidelines, 2015. Collection method: clinical testing. Allele origin: germline.
Comment: This variant is classified as likely benign based on ACMG/AMP sequence variant interpretation guidelines (Richards et al. 2015 PMID: 25741868, with internal and published modifications).